The following is an entry in ClinVar:

ClinVar aggregate classification (germline): Uncertain significance (1 of 4 stars; one submission).

Submission:

Labcorp Genetics (formerly Invitae), Labcorp
Classification: Uncertain significance. Last evaluated: 2023-10-04. Review status: criteria provided, single submitter. Criteria: Invitae Variant Classification Sherloc (09022015). Collection method: clinical testing. Allele origin: germline.
Comment: This sequence change replaces threonine, which is neutral and polar, with alanine, which is neutral and non-polar, at codon 387 of the ATP1A1 protein (p.Thr387Ala). This variant is not present in population databases (gnomAD no frequency). This variant has not been reported in the literature in individuals affected with ATP1A1-related conditions. Advanced modeling of protein sequence and biophysical properties (such as structural, functional, and spatial information, amino acid conservation, physicochemical variation, residue mobility, and thermodynamic stability) performed at Invitae indicates that this missense variant is not expected to disrupt ATP1A1 protein function. In summary, the available evidence is currently insufficient to determine the role of this variant in disease. Therefore, it has been classified as a Variant of Uncertain Significance.

NM_000701.8(ATP1A1):c.1159A>G (p.Thr387Ala)

Gene: ATP1A1 (ATPase Na+/K+ transporting subunit alpha 1; plus strand). Cytogenetic location: 1p13.1.
Variant type: single nucleotide variant.
Coding change: c.1159A>G on transcript NM_000701.8 (MANE Select); coding-DNA position 1159, A replaced by G.
Protein change: p.Thr387Ala; replaces threonine 387 with alanine.
Molecular consequence: missense variant.
Genome position (GRCh38, 1-based): chr1:116,390,348, A>G. VCF-style: chr1-116390348-A-G. GRCh37 (hg19) VCF-style: chr1-116932970-A-G.
Other names: c.1159A>G, p.Thr387Ala (NM_001160233.2); c.1066A>G, p.Thr356Ala (NM_001160234.2); short protein forms T387A, T356A.
Identifiers: ClinVar variation 2765420 (VCV002765420.3), dbSNP rs2525838557, ClinGen allele CA341844562.